The following is an entry in ClinVar:

ClinVar aggregate classification (germline): Benign. Review status: criteria provided, single submitter (1 of 4 stars). 2 submissions from 2 submitters: Benign (1). 1 of the submissions does not count toward it. Last evaluated 2022-03-23.

Conditions:
JAG2-related disorder. Also called: JAG2-related condition.

Allele frequency attached by ClinVar (database versions not stated): gnomAD exomes 0.00330; ExAC 0.01117; TOPMed 0.02343; 1000 Genomes Project 30x 0.02530; ESP Exome Variant Server 0.01248; gnomAD 0.01866; 1000 Genomes Project 0.02376.
gnomAD v4.1: 7,746 of 1,612,562 alleles (0.48%); highest among the groups gnomAD compares: Admixed American, 6.7%; 247 homozygotes.

Submissions (2):

Mayo Clinic Laboratories, Mayo Clinic
Classification: Benign. Last evaluated: 2022-03-23. Review status: criteria provided, single submitter. Criteria: ACMG Guidelines, 2015. Collection method: clinical testing. Allele origin: germline. Observed: 10 variant alleles.

PreventionGenetics, part of Exact Sciences
Classification: Benign for JAG2-related condition. Last evaluated: 2019-02-28. Review status: no assertion criteria provided. Collection method: clinical testing. Allele origin: germline. Not counted in ClinVar's aggregate classification.
Comment: This variant is classified as benign based on ACMG/AMP sequence variant interpretation guidelines (Richards et al. 2015 PMID: 25741868, with internal and published modifications).

NM_002226.5(JAG2):c.2502G>A (p.Ser834=)

Gene: JAG2 (jagged canonical Notch ligand 2; minus strand). Cytogenetic location: 14q32.33.
Variant type: single nucleotide variant.
Coding change: c.2502G>A on transcript NM_002226.5 (MANE Select); coding-DNA position 2502, G replaced by A.
Protein change: p.Ser834=; no amino-acid change (serine 834 retained).
Molecular consequence: synonymous variant.
Genome position (GRCh38, 1-based): chr14:105,146,702, C>T on the plus strand (G>A on the coding strand, the complement: JAG2 is on the minus strand). VCF-style: chr14-105146702-C-T. GRCh37 (hg19) VCF-style: chr14-105613039-C-T.
Other names: p.Ser834=; c.2388G>A, p.Ser796= (NM_145159.3).
Identifiers: ClinVar variation 3055733 (VCV003055733.3), dbSNP rs113906438, ClinGen allele CA7385562.